The following is an entry in ClinVar:

NM_001205293.3(CACNA1E):c.800C>T (p.Pro267Leu)

Gene: CACNA1E (calcium voltage-gated channel subunit alpha1 E; plus strand). Cytogenetic location: 1q25.3.
Variant type: single nucleotide variant.
Coding change: c.800C>T on transcript NM_001205293.3 (MANE Select); coding-DNA position 800, C replaced by T.
Protein change: p.Pro267Leu; replaces proline 267 with leucine.
Molecular consequence: missense variant.
Genome position (GRCh38, 1-based): chr1:181,580,625, C>T. VCF-style: chr1-181580625-C-T. GRCh37 (hg19) VCF-style: chr1-181549761-C-T.
Other names: c.800C>T, p.Pro267Leu (NM_000721.4, NM_001205294.2); short protein forms P267L.
Identifiers: ClinVar variation 4975500 (VCV004975500.1).

ClinVar aggregate classification (germline): Uncertain significance (1 of 4 stars; one submission).

Submission:

GeneDx
Classification: Uncertain significance. Last evaluated: 2026-01-22. Review status: criteria provided, single submitter. Criteria: GeneDx Variant Classification Process June 2021. Collection method: clinical testing. Allele origin: germline.
Comment: Not observed at significant frequency in large population cohorts (gnomAD); In silico analysis supports that this missense variant has a deleterious effect on protein structure/function; Has not been previously published as pathogenic or benign to our knowledge